The following is an entry in ClinVar:

ClinVar aggregate classification (germline): Uncertain significance (1 of 4 stars; one submission).

Conditions:
Niemann-Pick disease, type C1. Also called: NEUROVISCERAL STORAGE DISEASE WITH VERTICAL SUPRANUCLEAR OPHTHALMOPLEGIA; NIEMANN-PICK DISEASE WITH CHOLESTEROL ESTERIFICATION BLOCK; NIEMANN-PICK DISEASE WITHOUT SPHINGOMYELINASE DEFICIENCY; NIEMANN-PICK DISEASE, CHRONIC NEURONOPATHIC FORM; NIEMANN-PICK DISEASE, VARIANT TYPE C1. Identifiers: Orphanet 646, MedGen C3179455, MONDO:0009757, OMIM 257220.

Allele frequency attached by ClinVar (database versions not stated): gnomAD exomes below 0.00001.
gnomAD v4.1: 1 of 1,614,116 alleles (0.000062%); highest among the groups gnomAD compares: Non-Finnish European, 0.000085%; no homozygotes.

Submission:

Labcorp Genetics (formerly Invitae), Labcorp
Classification: Uncertain significance for Niemann-Pick disease, type C1. Last evaluated: 2022-08-19. Review status: criteria provided, single submitter. Criteria: Invitae Variant Classification Sherloc (09022015). Collection method: clinical testing. Allele origin: germline.
Comment: In summary, the available evidence is currently insufficient to determine the role of this variant in disease. Therefore, it has been classified as a Variant of Uncertain Significance. Advanced modeling of protein sequence and biophysical properties (such as structural, functional, and spatial information, amino acid conservation, physicochemical variation, residue mobility, and thermodynamic stability) performed at Invitae indicates that this missense variant is not expected to disrupt NPC1 protein function. ClinVar contains an entry for this variant (Variation ID: 1354763). This variant has not been reported in the literature in individuals affected with NPC1-related conditions. This variant is not present in population databases (gnomAD no frequency). This sequence change replaces aspartic acid, which is acidic and polar, with asparagine, which is neutral and polar, at codon 436 of the NPC1 protein (p.Asp436Asn).

NM_000271.5(NPC1):c.1306G>A (p.Asp436Asn)

Gene: NPC1 (NPC intracellular cholesterol transporter 1; minus strand). Cytogenetic location: 18q11.2.
Variant type: single nucleotide variant.
Coding change: c.1306G>A on transcript NM_000271.5 (MANE Select); coding-DNA position 1306, G replaced by A.
Protein change: p.Asp436Asn; replaces aspartic acid 436 with asparagine.
Molecular consequence: missense variant.
Genome position (GRCh38, 1-based): chr18:23,556,263, C>T on the plus strand (G>A on the coding strand, the complement: NPC1 is on the minus strand). VCF-style: chr18-23556263-C-T. GRCh37 (hg19) VCF-style: chr18-21136227-C-T.
Other names: short protein forms D436N.
Identifiers: ClinVar variation 1354763 (VCV001354763.8), dbSNP rs1294804263, ClinGen allele CA401777108.